The following is an entry in ClinVar:

NM_000180.4(GUCY2D):c.1229C>T (p.Ala410Val)

Gene: GUCY2D (guanylate cyclase 2D, retinal; plus strand). Cytogenetic location: 17p13.1.
Variant type: single nucleotide variant.
Coding change: c.1229C>T on transcript NM_000180.4 (MANE Select); coding-DNA position 1229, C replaced by T.
Protein change: p.Ala410Val; replaces alanine 410 with valine.
Molecular consequence: missense variant.
Genome position (GRCh38, 1-based): chr17:8,006,565, C>T. VCF-style: chr17-8006565-C-T. GRCh37 (hg19) VCF-style: chr17-7909883-C-T.
Other names: short protein forms A410V.
Identifiers: ClinVar variation 935946 (VCV000935946.8), dbSNP rs773030462, ClinGen allele CA8365687.

ClinVar aggregate classification (germline): Conflicting classifications of pathogenicity. Review status: criteria provided, conflicting classifications (1 of 4 stars). 2 submissions from 2 submitters: Uncertain significance (1); Likely benign (1). Last evaluated 2025-10-02.

Conditions:
Leber congenital amaurosis 1 (LCA1). Also called: AMAUROSIS CONGENITA OF LEBER I; Congenital absence of the rods and cones; Leber's congenital tapetoretinal degeneration; Leber's congenital tapetoretinal dysplasia; RETINAL BLINDNESS, CONGENITAL. Identifiers: Orphanet 65, MedGen C2931258, MONDO:0008764, OMIM 204000.
Cone-rod dystrophy 6 (CORD6). Also called: Cone dystrophy progressive; RETINAL CONE DYSTROPHY 2. Identifiers: Orphanet 1872, MedGen C1866293, MONDO:0011143, OMIM 601777.
Inborn genetic diseases. Identifiers: MedGen C0950123, MeSH D030342.

Allele frequency attached by ClinVar (database versions not stated): ExAC 0.00002; TOPMed 0.00005.

Submissions (2):

Ambry Genetics
Classification: Likely benign for Inborn genetic diseases. Last evaluated: 2025-10-02. Review status: criteria provided, single submitter. Criteria: Ambry Variant Classification Scheme 2023. Collection method: clinical testing. Allele origin: germline.

Labcorp Genetics (formerly Invitae), Labcorp
Classification: Uncertain significance for Leber congenital amaurosis 1; Cone-rod dystrophy 6. Last evaluated: 2022-02-05. Review status: criteria provided, single submitter. Criteria: Invitae Variant Classification Sherloc (09022015). Collection method: clinical testing. Allele origin: germline.
Comment: This sequence change replaces alanine, which is neutral and non-polar, with valine, which is neutral and non-polar, at codon 410 of the GUCY2D protein (p.Ala410Val). This variant is present in population databases (rs773030462, gnomAD 0.007%). This variant has not been reported in the literature in individuals affected with GUCY2D-related conditions. ClinVar contains an entry for this variant (Variation ID: 935946). Algorithms developed to predict the effect of missense changes on protein structure and function output the following: SIFT: "Tolerated"; PolyPhen-2: "Benign"; Align-GVGD: "Class C0". The valine amino acid residue is found in multiple mammalian species, which suggests that this missense change does not adversely affect protein function. Algorithms developed to predict the effect of sequence changes on RNA splicing suggest that this variant may create or strengthen a splice site. In summary, the available evidence is currently insufficient to determine the role of this variant in disease. Therefore, it has been classified as a Variant of Uncertain Significance.